The following is an entry in ClinVar:

ClinVar aggregate classification (germline): Uncertain significance (1 of 4 stars; one submission).

Submission:

Labcorp Genetics (formerly Invitae), Labcorp
Classification: Uncertain significance. Last evaluated: 2023-10-23. Review status: criteria provided, single submitter. Criteria: Invitae Variant Classification Sherloc (09022015). Collection method: clinical testing. Allele origin: germline.
Comment: This variant, c.283_297dup, results in the insertion of 5 amino acid(s) of the CTF1 protein (p.Ala95_Pro99dup), but otherwise preserves the integrity of the reading frame. The frequency data for this variant in the population databases is considered unreliable, as metrics indicate insufficient coverage at this position in the gnomAD database. This variant has not been reported in the literature in individuals affected with CTF1-related conditions. ClinVar contains an entry for this variant (Variation ID: 1522126). Experimental studies and prediction algorithms are not available or were not evaluated, and the functional significance of this variant is currently unknown. In summary, the available evidence is currently insufficient to determine the role of this variant in disease. Therefore, it has been classified as a Variant of Uncertain Significance.

NM_001330.5(CTF1):c.283_297dup (p.Ala95_Pro99dup)

Genes: CTF1 (cardiotrophin 1; plus strand), LOC130058878 (ATAC-STARR-seq lymphoblastoid silent region 7400; plus strand). Cytogenetic location: 16p11.2.
Variant type: Duplication.
Coding change: c.283_297dup on transcript NM_001330.5 (MANE Select); coding-DNA positions 283 to 297, 15 bases duplicated (GCCGCGCTGCCCCCG).
Protein change: p.Ala95_Pro99dup.
Molecular consequence: inframe insertion. On other transcripts: non-coding transcript variant (1).
Genome position (GRCh38, 1-based): chr16:30,902,216-30,902,230, GCCGCGCTGCCCCCG duplicated; duplicating any 15 consecutive bases within chr16:30,902,215-30,902,230 gives the same sequence; the c. name uses the placement nearest the transcript's 3' end. VCF-style (leftmost placement, unchanged base first): chr16-30902214-T-TGGCCGCGCTGCCCCC. GRCh37 (hg19) VCF-style: chr16-30913535-T-TGGCCGCGCTGCCCCC.
Other names: c.280_294dup, p.Ala94_Pro98dup (NM_001142544.3).
Identifiers: ClinVar variation 1522126 (VCV001522126.8), dbSNP rs1419475331, ClinGen allele CA719900225.